The following is an entry in ClinVar:

ClinVar aggregate classification (germline): Uncertain significance (1 of 4 stars; one submission).

Conditions:
Familial hemophagocytic lymphohistiocytosis 5. Also called: STXBP2-Related Familial Hemophagocytic Lymphohistiocytosis (STXBP2-fHLH). Identifiers: Orphanet 540, MedGen C2751293, MONDO:0013135, OMIM 613101.

Submission:

Labcorp Genetics (formerly Invitae), Labcorp
Classification: Uncertain significance for Familial hemophagocytic lymphohistiocytosis 5. Last evaluated: 2024-02-24. Review status: criteria provided, single submitter. Criteria: Invitae Variant Classification Sherloc (09022015). Collection method: clinical testing. Allele origin: germline.
Comment: This sequence change replaces aspartic acid, which is acidic and polar, with glutamic acid, which is acidic and polar, at codon 485 of the STXBP2 protein (p.Asp485Glu). This variant is not present in population databases (gnomAD no frequency). This variant has not been reported in the literature in individuals affected with STXBP2-related conditions. ClinVar contains an entry for this variant (Variation ID: 1463866). An algorithm developed to predict the effect of missense changes on protein structure and function (PolyPhen-2) suggests that this variant is likely to be disruptive. In summary, the available evidence is currently insufficient to determine the role of this variant in disease. Therefore, it has been classified as a Variant of Uncertain Significance.

NM_006949.4(STXBP2):c.1455C>A (p.Asp485Glu)

Gene: STXBP2 (syntaxin binding protein 2; plus strand). Cytogenetic location: 19p13.2.
Variant type: single nucleotide variant.
Coding change: c.1455C>A on transcript NM_006949.4 (MANE Select); coding-DNA position 1455, C replaced by A.
Protein change: p.Asp485Glu; replaces aspartic acid 485 with glutamic acid.
Molecular consequence: missense variant. On other transcripts: non-coding transcript variant (1).
Genome position (GRCh38, 1-based): chr19:7,647,164, C>A. VCF-style: chr19-7647164-C-A. GRCh37 (hg19) VCF-style: chr19-7712050-C-A.
Other names: c.1446C>A, p.Asp482Glu (NM_001127396.3); c.1488C>A, p.Asp496Glu (NM_001272034.2); short protein forms D482E, D496E, D485E.
Identifiers: ClinVar variation 1463866 (VCV001463866.6), dbSNP rs146425381, ClinGen allele CA403161737.